The following is an entry in ClinVar:

ClinVar aggregate classification (germline): Likely pathogenic. Review status: criteria provided, multiple submitters, no conflicts (2 of 4 stars). 2 submissions from 2 submitters: Likely pathogenic (2). Last evaluated 2023-02-28.

Conditions:
Autosomal recessive nonsyndromic hearing loss 8 (DFNB8). Also called: NEUROSENSORY NONSYNDROMIC RECESSIVE DEAFNESS 8; Deafness, autosomal recessive 10. Identifiers: Orphanet 90636, MedGen C1832827, MONDO:0010987, OMIM 601072.

gnomAD v4.1: 1 of 1,614,218 alleles (0.000062%); highest among the groups gnomAD compares: Non-Finnish European, 0.000085%; no homozygotes.

Submissions (2):

King Laboratory, University of Washington
Classification: Likely pathogenic for Autosomal recessive nonsyndromic hearing loss 8. Last evaluated: 2023-02-28. Review status: criteria provided, single submitter. Criteria: Li et al. (Genet Med. 2022). Collection method: research. Allele origin: unknown. Affected: yes.
Comment: This variant is a missense at a completely conserved site in the peptidase S1 domain of the TMPRSS3 protein and is predicted to be damaging by multiple in-silico tools. As of January 2023, this variant has not been reported to ClinVar and is not found on gnomAD. Based on consistently predicted functional effect, compound heterozygosity with a pathogenic variant, and goodness of fit of genotype to phenotype, we conclude that this variant is likely pathogenic.

Labcorp Genetics (formerly Invitae), Labcorp
Classification: Likely pathogenic. Last evaluated: 2022-12-13. Review status: criteria provided, single submitter. Criteria: Invitae Variant Classification Sherloc (09022015). Collection method: clinical testing. Allele origin: germline.
Comment: Advanced modeling of protein sequence and biophysical properties (such as structural, functional, and spatial information, amino acid conservation, physicochemical variation, residue mobility, and thermodynamic stability) performed at Invitae indicates that this missense variant is expected to disrupt TMPRSS3 protein function. In summary, the currently available evidence indicates that the variant is pathogenic, but additional data are needed to prove that conclusively. Therefore, this variant has been classified as Likely Pathogenic. This variant disrupts the p.Ala306 amino acid residue in TMPRSS3. Other variant(s) that disrupt this residue have been determined to be pathogenic (PMID: 17551081, 23208854, 24526180, 28246597). This suggests that this residue is clinically significant, and that variants that disrupt this residue are likely to be disease-causing. This variant has not been reported in the literature in individuals affected with TMPRSS3-related conditions. This variant is not present in population databases (gnomAD no frequency). This sequence change replaces alanine, which is neutral and non-polar, with valine, which is neutral and non-polar, at codon 306 of the TMPRSS3 protein (p.Ala306Val).

Literature cited by the submitters: PubMed 36633841 (cited by King Laboratory, University of Washington); PubMed 17551081 (cited by Labcorp Genetics (formerly Invitae), Labcorp); PubMed 23208854 (cited by Labcorp Genetics (formerly Invitae), Labcorp); PubMed 24526180 (cited by Labcorp Genetics (formerly Invitae), Labcorp); PubMed 28246597 (cited by Labcorp Genetics (formerly Invitae), Labcorp).

NM_001256317.3(TMPRSS3):c.917C>T (p.Ala306Val)

Gene: TMPRSS3 (transmembrane serine protease 3; minus strand). Cytogenetic location: 21q22.3.
Variant type: single nucleotide variant.
Coding change: c.917C>T on transcript NM_001256317.3 (MANE Select); coding-DNA position 917, C replaced by T.
Protein change: p.Ala306Val; replaces alanine 306 with valine.
Molecular consequence: missense variant.
Genome position (GRCh38, 1-based): chr21:42,382,100, G>A on the plus strand (C>T on the coding strand, the complement: TMPRSS3 is on the minus strand). VCF-style: chr21-42382100-G-A. GRCh37 (hg19) VCF-style: chr21-43802209-G-A.
Other names: c.917C>T, p.Ala306Val (NM_024022.4, NM_032405.2); c.536C>T, p.Ala179Val (NM_032404.3); short protein forms A306V, A179V.
Identifiers: ClinVar variation 2445668 (VCV002445668.4), dbSNP rs1259173797, ClinGen allele CA410372476.